The following is an entry in ClinVar:

NM_001369.3(DNAH5):c.9452C>G (p.Ser3151Cys)

Gene: DNAH5 (dynein axonemal heavy chain 5; minus strand). Cytogenetic location: 5p15.2.
Variant type: single nucleotide variant.
Coding change: c.9452C>G on transcript NM_001369.3 (MANE Select); coding-DNA position 9452, C replaced by G.
Protein change: p.Ser3151Cys; replaces serine 3151 with cysteine.
Molecular consequence: missense variant.
Genome position (GRCh38, 1-based): chr5:13,770,902, G>C on the plus strand (C>G on the coding strand, the complement: DNAH5 is on the minus strand). VCF-style: chr5-13770902-G-C. GRCh37 (hg19) VCF-style: chr5-13771011-G-C.
Other names: short protein forms S3151C.
Identifiers: ClinVar variation 1214662 (VCV001214662.9), dbSNP rs1243099431, ClinGen allele CA359204944.

ClinVar aggregate classification (germline): Uncertain significance. Review status: criteria provided, multiple submitters, no conflicts (2 of 4 stars). 4 submissions from 4 submitters: Uncertain significance (3). 1 of the submissions does not count toward it. Last evaluated 2023-09-06.

Conditions:
Primary ciliary dyskinesia. Also called: Ciliary dyskinesia. Identifiers: Orphanet 244, MedGen C0008780, MONDO:0016575, HP:0012265.

gnomAD v4.1: 9 of 1,613,966 alleles (0.00056%); highest among the groups gnomAD compares: Admixed American, 0.005%; no homozygotes.

Submissions (4):

Ambry Genetics
Classification: Uncertain significance for Primary ciliary dyskinesia. Last evaluated: 2023-09-06. Review status: criteria provided, single submitter. Criteria: Ambry Variant Classification Scheme 2023. Collection method: clinical testing. Allele origin: germline.
Comment: The p.S3151C variant (also known as c.9452C>G), located in coding exon 56 of the DNAH5 gene, results from a C to G substitution at nucleotide position 9452. The serine at codon 3151 is replaced by cysteine, an amino acid with dissimilar properties. This amino acid position is well conserved in available vertebrate species. In addition, this alteration is predicted to be tolerated by in silico analysis. Since supporting evidence is limited at this time, the clinical significance of this alteration remains unclear.

Labcorp Genetics (formerly Invitae), Labcorp
Classification: Uncertain significance for Primary ciliary dyskinesia. Last evaluated: 2022-06-08. Review status: criteria provided, single submitter. Criteria: Invitae Variant Classification Sherloc (09022015). Collection method: clinical testing. Allele origin: germline.
Comment: This sequence change replaces serine, which is neutral and polar, with cysteine, which is neutral and slightly polar, at codon 3151 of the DNAH5 protein (p.Ser3151Cys). This variant is not present in population databases (gnomAD no frequency). This variant has not been reported in the literature in individuals affected with DNAH5-related conditions. ClinVar contains an entry for this variant (Variation ID: 1214662). Advanced modeling of protein sequence and biophysical properties (such as structural, functional, and spatial information, amino acid conservation, physicochemical variation, residue mobility, and thermodynamic stability) performed at Invitae indicates that this missense variant is not expected to disrupt DNAH5 protein function. In summary, the available evidence is currently insufficient to determine the role of this variant in disease. Therefore, it has been classified as a Variant of Uncertain Significance.

GeneDx
Classification: Uncertain significance. Last evaluated: 2020-05-27. Review status: criteria provided, single submitter. Criteria: GeneDx Variant Classification Process June 2021. Collection method: clinical testing. Allele origin: germline. Affected: yes.
Comment: Not observed in large population cohorts (Lek et al., 2016); In silico analysis, which includes protein predictors and evolutionary conservation, supports that this variant does not alter protein structure/function; Has not been previously published as pathogenic or benign to our knowledge

Natera, Inc.
Classification: Uncertain significance for Primary ciliary dyskinesia. Last evaluated: 2021-03-22. Review status: no assertion criteria provided. Collection method: clinical testing. Allele origin: germline. Not counted in ClinVar's aggregate classification.